The following is an entry in ClinVar:

NM_000179.3(MSH6):c.952_962del (p.Glu318fs)

Gene: MSH6 (mutS homolog 6; plus strand). Cytogenetic location: 2p16.3.
Variant type: Deletion.
Coding change: c.952_962del on transcript NM_000179.3 (MANE Select); coding-DNA positions 952 to 962, 11 bases deleted (GAAACGCCCTC).
Protein change: p.Glu318fs; shifts the reading frame from glutamic acid 318.
Molecular consequence: frameshift variant.
Genome position (GRCh38, 1-based): chr2:47,798,935-47,798,945, GAAACGCCCTC deleted. VCF-style (leftmost placement, unchanged base first): chr2-47798934-GGAAACGCCCTC-G. GRCh37 (hg19) VCF-style: chr2-48026073-GGAAACGCCCTC-G.
Other names: c.562_572del, p.Glu188fs (NM_001281492.2); c.46_56del, p.Glu16fs (NM_001281493.2, NM_001281494.2); c.952_962delGAAACGCCCTC (NM_000179.2); short protein forms E16fs, E318fs, E188fs.
Identifiers: ClinVar variation 418321 (VCV000418321.2), dbSNP rs1064793185, ClinGen allele CA16617640.

ClinVar aggregate classification (germline): Pathogenic. Review status: criteria provided, single submitter (1 of 4 stars). 2 submissions from 2 submitters: Pathogenic (1). 1 of the submissions does not count toward it. Last evaluated 2014-10-14.

Conditions:
Hereditary nonpolyposis colorectal carcinoma. Identifiers: MedGen C4024989, HP:0006716.

Submissions (2):

GeneDx
Classification: Pathogenic. Last evaluated: 2014-10-14. Review status: criteria provided, single submitter. Criteria: GeneDx Variant Classification (06012015). Collection method: clinical testing. Allele origin: germline. Affected: yes.
Comment: This deletion of 11 nucleotides in MSH6 is denoted c.952_962del11 at the cDNA level and p.Glu318SerfsX7 (E318SfsX7) at the protein level. The surrounding sequence is GAAG[del11]AGCC. The deletion causes a frameshift, which changes a Glutamic Acid to a Serine at codon 318, and creates a premature stop codon at position 7 of the new reading frame. Although this variant has not, to our knowledge, been reported in the literature, it is predicted to cause loss of normal protein function through either protein truncation or nonsense-mediated mRNA decay. We consider MSH6 Glu318SerfsX7 to be pathogenic.

Institute of Human Genetics, University of Wuerzburg
Classification: Pathogenic for Hereditary nonpolyposis colorectal carcinoma. Review status: no assertion criteria provided. Collection method: clinical testing. Allele origin: unknown. Not counted in ClinVar's aggregate classification.